The following is an entry in ClinVar:

ClinVar aggregate classification (germline): Uncertain significance (1 of 4 stars; one submission).

Allele frequency attached by ClinVar (database versions not stated): gnomAD exomes below 0.00001.
gnomAD v4.1: 1 of 1,614,088 alleles (0.000062%); highest among the groups gnomAD compares: Non-Finnish European, 0.000085%; no homozygotes.

Submission:

Labcorp Genetics (formerly Invitae), Labcorp
Classification: Uncertain significance. Last evaluated: 2023-11-03. Review status: criteria provided, single submitter. Criteria: Invitae Variant Classification Sherloc (09022015). Collection method: clinical testing. Allele origin: germline.
Comment: This sequence change replaces histidine, which is basic and polar, with arginine, which is basic and polar, at codon 200 of the COQ8A protein (p.His200Arg). This variant is not present in population databases (gnomAD no frequency). This variant has not been reported in the literature in individuals affected with COQ8A-related conditions. Advanced modeling of protein sequence and biophysical properties (such as structural, functional, and spatial information, amino acid conservation, physicochemical variation, residue mobility, and thermodynamic stability) performed at Invitae indicates that this missense variant is not expected to disrupt COQ8A protein function with a negative predictive value of 95%. In summary, the available evidence is currently insufficient to determine the role of this variant in disease. Therefore, it has been classified as a Variant of Uncertain Significance.

NM_020247.5(COQ8A):c.599A>G (p.His200Arg)

Gene: COQ8A (coenzyme Q8A; plus strand). Cytogenetic location: 1q42.13.
Variant type: single nucleotide variant.
Coding change: c.599A>G on transcript NM_020247.5 (MANE Select); coding-DNA position 599, A replaced by G.
Protein change: p.His200Arg; replaces histidine 200 with arginine.
Molecular consequence: missense variant.
Genome position (GRCh38, 1-based): chr1:226,965,681, A>G. VCF-style: chr1-226965681-A-G. GRCh37 (hg19) VCF-style: chr1-227153382-A-G.
Other names: short protein forms H200R.
Identifiers: ClinVar variation 2859569 (VCV002859569.3), dbSNP rs2528254875, ClinGen allele CA345050705.
Genomic context (GRCh38, chr1:226,965,681, plus strand): 5'-GTCCTGTCCCCTTGGCTGATTCCACAGGTCTCTTTCTCGTCTCCCTCCAGCTCAGCGAGC[A>G]TGCCCGGGAGCGGAAGGTGCCTGTGACGAGGATTGGCCGGCTGGCCAACTTCGGAGGTAA-3'
Protein context (NP_064632.2, residues 190-210): NKQHKQTLSE[His200Arg]ARERKVPVTR